The following is an entry in ClinVar:

NM_001105206.3(LAMA4):c.668G>A (p.Arg223His)

Gene: LAMA4 (laminin subunit alpha 4; minus strand). Cytogenetic location: 6q21.
Variant type: single nucleotide variant.
Coding change: c.668G>A on transcript NM_001105206.3 (MANE Select); coding-DNA position 668, G replaced by A.
Protein change: p.Arg223His; replaces arginine 223 with histidine.
Molecular consequence: missense variant.
Genome position (GRCh38, 1-based): chr6:112,191,686, C>T on the plus strand (G>A on the coding strand, the complement: LAMA4 is on the minus strand). VCF-style: chr6-112191686-C-T. GRCh37 (hg19) VCF-style: chr6-112512888-C-T.
Other names: c.668G>A (LRG_433t2); c.668G>A, p.Arg223His (NM_001105207.3, NM_002290.5); short protein forms R223H.
Identifiers: ClinVar variation 192121 (VCV000192121.20), dbSNP rs200017155, ClinGen allele CA238401.
Genomic context (GRCh38, chr6:112,191,686, plus strand): 5'-GATACTGCACCTGCACAGTTCTTGGCTATCCTGGCGTCCCCATAGTAGCCAGGAGCGCAA[C>T]GTTCACACTTGAATCCGGTGGTGTTGCGTAAGCAATTCCTACACTGGCCAGTGACTTCAT-3'
Protein context (NP_001098676.2, residues 213-233): LRNTTGFKCE[Arg223His]CAPGYYGDAR

ClinVar aggregate classification (germline): Conflicting classifications of pathogenicity. Review status: criteria provided, conflicting classifications (1 of 4 stars). 8 submissions from 8 submitters: Uncertain significance (1); Likely benign (5). 2 of the submissions do not count toward it. Last evaluated 2025-12-28.

Conditions:
Cardiomyopathy (CMYO). Also called: Cardiomyopathies. Identifiers: Orphanet 167848, MedGen C0878544, MONDO:0004994, HP:0001638. Inheritance: Various modes of inheritance.
Cardiovascular phenotype. Identifiers: MedGen CN230736.
Dilated cardiomyopathy 1JJ (CMD1JJ). Identifiers: Orphanet 154, MedGen C3808935, MONDO:0014095, OMIM 615235.

Allele frequency attached by ClinVar (database versions not stated): gnomAD exomes 0.00018 and 0.00014; gnomAD 0.00019; ExAC 0.00018; TOPMed 0.00021; ESP Exome Variant Server 0.00031; 1000 Genomes Project 0.00040; 1000 Genomes Project 30x 0.00047.
gnomAD v4.1: 237 of 1,614,110 alleles (0.015%); highest among the groups gnomAD compares: Admixed American, 0.04%; no homozygotes.

Submissions (8):

Labcorp Genetics (formerly Invitae), Labcorp
Classification: Uncertain significance for Dilated cardiomyopathy 1JJ. Last evaluated: 2025-12-28. Review status: criteria provided, single submitter. Criteria: Invitae Variant Classification Sherloc (09022015). Collection method: clinical testing. Allele origin: germline.
Comment: This sequence change replaces arginine, which is basic and polar, with histidine, which is basic and polar, at codon 223 of the LAMA4 protein (p.Arg223His). This variant is present in population databases (rs200017155, gnomAD 0.04%), and has an allele count higher than expected for a pathogenic variant. This missense change has been observed in individual(s) with clinical features of LAMA4-related conditions (internal data). ClinVar contains an entry for this variant (Variation ID: 192121). Invitae Evidence Modeling of protein sequence and biophysical properties (such as structural, functional, and spatial information, amino acid conservation, physicochemical variation, residue mobility, and thermodynamic stability) indicates that this missense variant is expected to disrupt LAMA4 protein function with a positive predictive value of 80%. In summary, the available evidence is currently insufficient to determine the role of this variant in disease. Therefore, it has been classified as a Variant of Uncertain Significance.

Women's Health and Genetics/Laboratory Corporation of America, LabCorp
Classification: Likely benign. Last evaluated: 2024-10-07. Review status: criteria provided, single submitter. Criteria: LabCorp Variant Classification Summary - May 2015. Collection method: clinical testing. Allele origin: germline.
Comment: Variant summary: LAMA4 c.668G>A (p.Arg223His) results in a non-conservative amino acid change in the encoded protein sequence. Three of five in-silico tools predict a damaging effect of the variant on protein function. The variant allele was found at a frequency of 0.00018 in 250848 control chromosomes. The observed variant frequency is approximately 7.016 fold of the estimated maximal expected allele frequency for a pathogenic variant in LAMA4 causing Cardiomyopathy phenotype (2.5e-05). c.668G>A has been reported in the literature in at least one individual affected with Cardiomyopathy (Miszalski-Jamka_2017). These report(s) do not provide unequivocal conclusions about association of the variant with Cardiomyopathy. To our knowledge, no experimental evidence demonstrating an impact on protein function has been reported. The following publication has been ascertained in the context of this evaluation (PMID: 28798025). ClinVar contains an entry for this variant (Variation ID: 192121). Based on the evidence outlined above, the variant was classified as likely benign.

Ambry Genetics
Classification: Likely benign for Cardiovascular phenotype. Last evaluated: 2023-09-26. Review status: criteria provided, single submitter. Criteria: Ambry Variant Classification Scheme 2023. Collection method: clinical testing. Allele origin: germline.

GeneDx
Classification: Likely benign. Last evaluated: 2020-12-08. Review status: criteria provided, single submitter. Criteria: GeneDx Variant Classification Process June 2021. Collection method: clinical testing. Allele origin: germline. Affected: yes.
Comment: This variant is associated with the following publications: (PMID: 23861362, 28798025)

CHEO Genetics Diagnostic Laboratory, Children's Hospital of Eastern Ontario
Classification: Likely benign for Cardiomyopathy. Last evaluated: 2018-04-03. Review status: criteria provided, single submitter. Criteria: ACMG Guidelines, 2015. Collection method: clinical testing. Allele origin: germline.

Biesecker Lab/Clinical Genomics Section, National Institutes of Health
Classification: Likely benign. Last evaluated: 2013-06-24. Review status: criteria provided, single submitter. Criteria: Ng et al. (Circ Cardiovasc Genet. 2013). Collection method: research. Allele origin: unknown. Observed: 2 variant alleles. Study: ClinSeq.
Comment: The study set was not selected for affection status in relation to any cancer. Pathogenicity categories were based on literature curation. See Pubmed ID:23861362 for details.

Medical sequencing

Genome Diagnostics Laboratory, University Medical Center Utrecht
Classification: Likely benign. Review status: no assertion criteria provided. Collection method: clinical testing. Allele origin: germline. Affected: yes. Study: VKGL Data-share Consensus. Not counted in ClinVar's aggregate classification.

Joint Genome Diagnostic Labs from Nijmegen and Maastricht, Radboudumc and MUMC+
Classification: Likely benign. Review status: no assertion criteria provided. Collection method: clinical testing. Allele origin: germline. Affected: yes. Study: VKGL Data-share Consensus. Not counted in ClinVar's aggregate classification.

Literature cited by the submitters: PubMed 28798025 (cited by Women's Health and Genetics/Laboratory Corporation of America, LabCorp and Ambry Genetics); PubMed 23861362 (cited by Ambry Genetics).